The following is an entry in ClinVar:

ClinVar aggregate classification (germline): Likely benign (1 of 4 stars; one submission).

Submission:

CeGaT Center for Human Genetics Tuebingen
Classification: Likely benign. Last evaluated: 2026-04-01. Review status: criteria provided, single submitter. Criteria: CeGaT Center For Human Genetics Tuebingen Variant Classification Criteria Version 2. Collection method: clinical testing. Allele origin: germline. Affected: yes. Observed: 1 variant allele.
Comment: IFT70B: BP4, BP7

NM_152517.3(IFT70B):c.1461G>A (p.Lys487=)

Gene: IFT70B (intraflagellar transport 70B; minus strand). Cytogenetic location: 2q31.2.
Variant type: single nucleotide variant.
Coding change: c.1461G>A on transcript NM_152517.3 (MANE Select); coding-DNA position 1461, G replaced by A.
Protein change: p.Lys487=; no amino-acid change (lysine 487 retained).
Molecular consequence: synonymous variant.
Genome position (GRCh38, 1-based): chr2:177,551,303, C>T on the plus strand (G>A on the coding strand, the complement: IFT70B is on the minus strand). VCF-style: chr2-177551303-C-T. GRCh37 (hg19) VCF-style: chr2-178416031-C-T.
Identifiers: ClinVar variation 4873777 (VCV004873777.2).